The following is an entry in ClinVar:

ClinVar aggregate classification (germline): Uncertain significance (1 of 4 stars; one submission).

Conditions:
Cardiovascular phenotype. Identifiers: MedGen CN230736.

Allele frequency attached by ClinVar (database versions not stated): gnomAD exomes below 0.00001; gnomAD 0.00001; ExAC 0.00002; TOPMed 0.00002.
gnomAD v4.1: 7 of 1,614,010 alleles (0.00043%); highest among the groups gnomAD compares: Non-Finnish European, 0.00059%; no homozygotes.

Submission:

Ambry Genetics
Classification: Uncertain significance for Cardiovascular phenotype. Last evaluated: 2021-06-12. Review status: criteria provided, single submitter. Criteria: Ambry Variant Classification Scheme 2023. Collection method: clinical testing. Allele origin: germline.
Comment: The p.N394S variant (also known as c.1181A>G), located in coding exon 9 of the JAG1 gene, results from an A to G substitution at nucleotide position 1181. The asparagine at codon 394 is replaced by serine, an amino acid with highly similar properties. This amino acid position is conserved. In addition, this alteration is predicted to be tolerated by in silico analysis. Since supporting evidence is limited at this time, the clinical significance of this alteration remains unclear.

NM_000214.3(JAG1):c.1181A>G (p.Asn394Ser)

Gene: JAG1 (jagged canonical Notch ligand 1; minus strand). Cytogenetic location: 20p12.2.
Variant type: single nucleotide variant.
Coding change: c.1181A>G on transcript NM_000214.3 (MANE Select); coding-DNA position 1181, A replaced by G.
Protein change: p.Asn394Ser; replaces asparagine 394 with serine.
Molecular consequence: missense variant.
Genome position (GRCh38, 1-based): chr20:10,650,300, T>C on the plus strand (A>G on the coding strand, the complement: JAG1 is on the minus strand). VCF-style: chr20-10650300-T-C. GRCh37 (hg19) VCF-style: chr20-10630948-T-C.
Other names: short protein forms N394S.
Identifiers: ClinVar variation 1742271 (VCV001742271.2), dbSNP rs767973852, ClinGen allele CA9764961.
Genomic context (GRCh38, chr20:10,650,300, plus strand): 5'-TTCTTACCTAACTGGCACGTTTTCCCAGTCCACTGTGGGGGGCACACACACTTAAATCCG[T>C]TAACCAGGTCCTGGCAGGTGCCCCCGTGGGAACAGTTATTAGGAGAACAGTCATCAATGT-3'
Protein context (NP_000205.1, residues 384-404): SHGGTCQDLV[Asn394Ser]GFKCVCPPQW